The following is an entry in ClinVar:

NM_173348.2(FAM149B1):c.1023+35G>T

Gene: FAM149B1 (family with sequence similarity 149 member B1; plus strand). Cytogenetic location: 10q22.2.
Variant type: single nucleotide variant.
Coding change: c.1023+35G>T on transcript NM_173348.2 (MANE Select); 35 bases into the intron after coding-DNA position 1023, G replaced by T.
Molecular consequence: intron variant.
Genome position (GRCh38, 1-based): chr10:73,228,219, G>T. VCF-style: chr10-73228219-G-T. GRCh37 (hg19) VCF-style: chr10-74987977-G-T.
Identifiers: ClinVar variation 2505232 (VCV002505232.1), dbSNP rs555075017, ClinGen allele CA209590350.

ClinVar aggregate classification (germline): Uncertain significance (1 of 4 stars; one submission).

Allele frequency attached by ClinVar (database versions not stated): gnomAD exomes 0.00001; TOPMed 0.00015; 1000 Genomes Project 30x 0.00016; 1000 Genomes Project 0.00020; gnomAD 0.00020.
gnomAD v4.1: 41 of 1,544,178 alleles (0.0027%); highest among the groups gnomAD compares: African/African-American, 0.049%; 1 homozygote.

Submission:

Greenwood Genetic Center Diagnostic Laboratories, Greenwood Genetic Center
Classification: Uncertain significance. Last evaluated: 2023-01-23. Review status: criteria provided, single submitter. Criteria: ACMG Guidelines, 2015. Collection method: clinical testing. Allele origin: germline. Affected: yes.
Comment: PM2, BP4